The following is an entry in ClinVar:

ClinVar aggregate classification (germline): Benign (1 of 4 stars; one submission).

Allele frequency attached by ClinVar (database versions not stated): 1000 Genomes Project 30x 0.98017; 1000 Genomes Project 0.98083; TOPMed 0.98357; gnomAD 0.98469 and 0.98569; gnomAD exomes 0.99787.
gnomAD v4.1: 1,470,432 of 1,475,584 alleles (100%); highest among the groups gnomAD compares: East Asian, 100%; 732,741 homozygotes.

Submission:

GeneDx
Classification: Benign. Last evaluated: 2018-06-16. Review status: criteria provided, single submitter. Criteria: GeneDx Variant Classification (06012015). Collection method: clinical testing. Allele origin: germline. Affected: yes.
Comment: This variant is considered likely benign or benign based on one or more of the following criteria: it is a conservative change, it occurs at a poorly conserved position in the protein, it is predicted to be benign by multiple in silico algorithms, and/or has population frequency not consistent with disease.

NM_198576.4(AGRN):c.3388+125T>C

Gene: AGRN (agrin; plus strand). Cytogenetic location: 1p36.33.
Variant type: single nucleotide variant.
Coding change: c.3388+125T>C on transcript NM_198576.4 (MANE Select); 125 bases into the intron after coding-DNA position 3388, T replaced by C.
Molecular consequence: intron variant.
Genome position (GRCh38, 1-based): chr1:1,047,082, T>C. VCF-style: chr1-1047082-T-C. GRCh37 (hg19) VCF-style: chr1-982462-T-C.
Other names: c.3388+125T>C (NM_001305275.2); c.3073+125T>C (NM_001364727.2).
Identifiers: ClinVar variation 677951 (VCV000677951.1), dbSNP rs3128100, ClinGen allele CA16759122.